The following is an entry in ClinVar:

ClinVar aggregate classification (germline): Uncertain significance. Review status: criteria provided, multiple submitters, no conflicts (2 of 4 stars). 2 submissions from 2 submitters: Uncertain significance (2). Last evaluated 2021-12-27.

Allele frequency attached by ClinVar (database versions not stated): gnomAD exomes below 0.00001.
gnomAD v4.1: 2 of 1,614,154 alleles (0.00012%); highest among the groups gnomAD compares: Admixed American, 0.0033%; no homozygotes.

Submissions (2):

Labcorp Genetics (formerly Invitae), Labcorp
Classification: Uncertain significance. Last evaluated: 2021-12-27. Review status: criteria provided, single submitter. Criteria: Invitae Variant Classification Sherloc (09022015). Collection method: clinical testing. Allele origin: germline.
Comment: This sequence change replaces serine, which is neutral and polar, with isoleucine, which is neutral and non-polar, at codon 4310 of the USH2A protein (p.Ser4310Ile). This variant is not present in population databases (gnomAD no frequency). This variant has not been reported in the literature in individuals affected with USH2A-related conditions. Algorithms developed to predict the effect of missense changes on protein structure and function (SIFT, PolyPhen-2, Align-GVGD) all suggest that this variant is likely to be disruptive. In summary, the available evidence is currently insufficient to determine the role of this variant in disease. Therefore, it has been classified as a Variant of Uncertain Significance.

Blueprint Genetics
Classification: Uncertain significance. Last evaluated: 2019-12-12. Review status: criteria provided, single submitter. Criteria: ACMG Guidelines, 2015. Collection method: clinical testing. Allele origin: germline.

NM_206933.4(USH2A):c.12929G>T (p.Ser4310Ile)

Gene: USH2A (usherin; minus strand). Cytogenetic location: 1q41.
Variant type: single nucleotide variant.
Coding change: c.12929G>T on transcript NM_206933.4 (MANE Select); coding-DNA position 12929, G replaced by T.
Protein change: p.Ser4310Ile; replaces serine 4310 with isoleucine.
Molecular consequence: missense variant.
Genome position (GRCh38, 1-based): chr1:215,674,982, C>A on the plus strand (G>T on the coding strand, the complement: USH2A is on the minus strand). VCF-style: chr1-215674982-C-A. GRCh37 (hg19) VCF-style: chr1-215848324-C-A.
Other names: short protein forms S4310I.
Identifiers: ClinVar variation 1925197 (VCV001925197.3), dbSNP rs1482821042, ClinGen allele CA344848195.